The following is an entry in ClinVar:

NM_015062.5(PPRC1):c.4230G>A (p.Arg1410=)

Gene: PPRC1 (PPARG related coactivator 1; plus strand). Cytogenetic location: 10q24.32.
Variant type: single nucleotide variant.
Coding change: c.4230G>A on transcript NM_015062.5 (MANE Select); coding-DNA position 4230, G replaced by A.
Protein change: p.Arg1410=; no amino-acid change (arginine 1410 retained).
Molecular consequence: synonymous variant. On other transcripts: intron variant (1).
Genome position (GRCh38, 1-based): chr10:102,147,222, G>A. VCF-style: chr10-102147222-G-A. GRCh37 (hg19) VCF-style: chr10-103906979-G-A.
Other names: c.3870G>A, p.Arg1290= (NM_001288728.2); c.3609-1150G>A (NM_001288727.2).
Identifiers: ClinVar variation 3050216 (VCV003050216.2), dbSNP rs369745352, ClinGen allele CA5661471.
Genomic context (GRCh38, chr10:102,147,222, plus strand): 5'-GACTCCCCCTGAACCCTCAGCCAAGCAGCGGTCAATGCGCTGTTACCGAAAAGCCTGCAG[G>A]TCAGCCAGCCCCTCAAGCCAGGGCTGGCAGGGCCGCCGAGGCCGCAACAGCCGTTCTGTC-3'
Protein context (NP_055877.3, residues 1400-1420): RSMRCYRKAC[Arg1410=]SASPSSQGWQ

ClinVar aggregate classification (germline): Likely benign (0 of 4 stars; one submission).

Conditions:
PPRC1-related disorder. Also called: PPRC1-related condition.

Allele frequency attached by ClinVar (database versions not stated): gnomAD 0.00001; TOPMed 0.00003; gnomAD exomes 0.00004; ExAC 0.00006; ESP Exome Variant Server 0.00008.

Submission:

PreventionGenetics, part of Exact Sciences
Classification: Likely benign for PPRC1-related condition. Last evaluated: 2019-02-26. Review status: no assertion criteria provided. Collection method: clinical testing. Allele origin: germline.
Comment: This variant is classified as likely benign based on ACMG/AMP sequence variant interpretation guidelines (Richards et al. 2015 PMID: 25741868, with internal and published modifications).